The following is an entry in ClinVar:

NM_001379500.1(COL18A1):c.2799C>T (p.Phe933=)

Genes: COL18A1 (collagen type XVIII alpha 1 chain; plus strand), SLC19A1 (solute carrier family 19 member 1; minus strand). Cytogenetic location: 21q22.3.
Variant type: single nucleotide variant.
Coding change: c.2799C>T on transcript NM_001379500.1 (MANE Select); coding-DNA position 2799, C replaced by T.
Protein change: p.Phe933=; no amino-acid change (phenylalanine 933 retained).
Molecular consequence: synonymous variant.
Genome position (GRCh38, 1-based): chr21:45,504,487, C>T. VCF-style: chr21-45504487-C-T. GRCh37 (hg19) VCF-style: chr21-46924401-C-T.
Other names: c.3339C>T, p.Phe1113= (NM_030582.4); c.4044C>T, p.Phe1348= (NM_130444.3); c.3339C>T (NM_030582.3).
Identifiers: ClinVar variation 1647460 (VCV001647460.10), dbSNP rs370771189, ClinGen allele CA10067473.

ClinVar aggregate classification (germline): Likely benign. Review status: criteria provided, multiple submitters, no conflicts (2 of 4 stars). 3 submissions from 3 submitters: Likely benign (3). Last evaluated 2026-08-24.

Conditions:
COL18A1-related disorder. Also called: COL18A1-related disorders; COL18A1-related condition.

Allele frequency attached by ClinVar (database versions not stated): ExAC 0.00001; gnomAD 0.00003 and 0.00006.
gnomAD v4.1: 72 of 1,590,132 alleles (0.0045%); highest among the groups gnomAD compares: South Asian, 0.021%; no homozygotes.

Submissions (3):

PreventionGenetics, part of Exact Sciences
Classification: Likely benign for COL18A1-related condition. Last evaluated: 2026-08-24. Review status: criteria provided, single submitter. Criteria: ACMG Guidelines, 2015. Collection method: clinical testing. Allele origin: germline.
Comment: This variant is classified as likely benign based on ACMG/AMP sequence variant interpretation guidelines (Richards et al. 2015 PMID: 25741868, with internal and published modifications).

Labcorp Genetics (formerly Invitae), Labcorp
Classification: Likely benign. Last evaluated: 2026-01-12. Review status: criteria provided, single submitter. Criteria: Invitae Variant Classification Sherloc (09022015). Collection method: clinical testing. Allele origin: germline.

Blueprint Genetics
Classification: Likely benign. Last evaluated: 2024-10-23. Review status: criteria provided, single submitter. Criteria: ACMG Guidelines, 2015. Collection method: clinical testing. Allele origin: germline.